The following is an entry in ClinVar:

NM_001805.4(CEBPE):c.223C>A (p.Pro75Thr)

Gene: CEBPE (CCAAT enhancer binding protein epsilon; minus strand). Cytogenetic location: 14q11.2.
Variant type: single nucleotide variant.
Coding change: c.223C>A on transcript NM_001805.4 (MANE Select); coding-DNA position 223, C replaced by A.
Protein change: p.Pro75Thr; replaces proline 75 with threonine.
Molecular consequence: missense variant.
Genome position (GRCh38, 1-based): chr14:23,118,869, G>T on the plus strand (C>A on the coding strand, the complement: CEBPE is on the minus strand). VCF-style: chr14-23118869-G-T. GRCh37 (hg19) VCF-style: chr14-23588078-G-T.
Other names: short protein forms P75T.
Identifiers: ClinVar variation 663169 (VCV000663169.10), dbSNP rs148458866, ClinGen allele CA7111260.

ClinVar aggregate classification (germline): Uncertain significance (1 of 4 stars; one submission).

Conditions:
Specific granule deficiency. Identifiers: Orphanet 169142, MedGen C0398593, MONDO:0009506.

Allele frequency attached by ClinVar (database versions not stated): gnomAD 0.00002; ESP Exome Variant Server 0.00008; gnomAD exomes below 0.00001 and 0.00001; TOPMed 0.00002; ExAC 0.00002.
gnomAD v4.1: 8 of 1,613,940 alleles (0.0005%); highest among the groups gnomAD compares: African/African-American, 0.008%; no homozygotes.

Submission:

Labcorp Genetics (formerly Invitae), Labcorp
Classification: Uncertain significance for Specific granule deficiency. Last evaluated: 2020-10-10. Review status: criteria provided, single submitter. Criteria: Invitae Variant Classification Sherloc (09022015). Collection method: clinical testing. Allele origin: germline.
Comment: This variant is present in population databases (rs148458866, ExAC 0.01%). In summary, the available evidence is currently insufficient to determine the role of this variant in disease. Therefore, it has been classified as a Variant of Uncertain Significance. Algorithms developed to predict the effect of missense changes on protein structure and function are either unavailable or do not agree on the potential impact of this missense change (SIFT: "Deleterious"; PolyPhen-2: "Benign"; Align-GVGD: "Class C35"). This variant has not been reported in the literature in individuals with CEBPE-related disease. This sequence change replaces proline with threonine at codon 75 of the CEBPE protein (p.Pro75Thr). The proline residue is highly conserved and there is a small physicochemical difference between proline and threonine.